The following is an entry in ClinVar:

NM_002439.5(MSH3):c.839T>G (p.Phe280Cys)

Gene: MSH3 (mutS homolog 3; plus strand). Cytogenetic location: 5q14.1.
Variant type: single nucleotide variant.
Coding change: c.839T>G on transcript NM_002439.5 (MANE Select); coding-DNA position 839, T replaced by G.
Protein change: p.Phe280Cys; replaces phenylalanine 280 with cysteine.
Molecular consequence: missense variant.
Genome position (GRCh38, 1-based): chr5:80,672,290, T>G. VCF-style: chr5-80672290-T-G. GRCh37 (hg19) VCF-style: chr5-79968109-T-G.
Other names: c.839T>G (NM_002439.3); short protein forms F280C.
Identifiers: ClinVar variation 840430 (VCV000840430.10), dbSNP rs757418409, ClinGen allele CA3327727.

ClinVar aggregate classification (germline): Uncertain significance. Review status: criteria provided, multiple submitters, no conflicts (2 of 4 stars). 2 submissions from 2 submitters: Uncertain significance (2). Last evaluated 2025-06-19.

Conditions:
Hereditary cancer-predisposing syndrome. Also called: Neoplastic Syndromes, Hereditary; Tumor predisposition; Hereditary neoplastic syndrome; Hereditary Cancer Syndrome. Identifiers: Orphanet 140162, MedGen C0027672, MeSH D009386, MONDO:0015356.

Allele frequency attached by ClinVar (database versions not stated): gnomAD exomes below 0.00001; ExAC 0.00001.

Submissions (2):

Ambry Genetics
Classification: Uncertain significance for Hereditary cancer-predisposing syndrome. Last evaluated: 2025-06-19. Review status: criteria provided, single submitter. Criteria: Ambry Variant Classification Scheme 2023. Collection method: clinical testing. Allele origin: germline.
Comment: The p.F280C variant (also known as c.839T>G), located in coding exon 5 of the MSH3 gene, results from a T to G substitution at nucleotide position 839. The phenylalanine at codon 280 is replaced by cysteine, an amino acid with highly dissimilar properties. This amino acid position is conserved. In addition, this alteration is predicted to be deleterious by in silico analysis. Based on the available evidence, the clinical significance of this variant remains unclear.

Labcorp Genetics (formerly Invitae), Labcorp
Classification: Uncertain significance. Last evaluated: 2023-09-08. Review status: criteria provided, single submitter. Criteria: Invitae Variant Classification Sherloc (09022015). Collection method: clinical testing. Allele origin: germline.
Comment: In summary, the available evidence is currently insufficient to determine the role of this variant in disease. Therefore, it has been classified as a Variant of Uncertain Significance. An algorithm developed to predict the effect of missense changes on protein structure and function (PolyPhen-2) suggests that this variant is likely to be disruptive. This sequence change replaces phenylalanine, which is neutral and non-polar, with cysteine, which is neutral and slightly polar, at codon 280 of the MSH3 protein (p.Phe280Cys). This variant is present in population databases (rs757418409, gnomAD 0.0009%). This variant has not been reported in the literature in individuals affected with MSH3-related conditions. ClinVar contains an entry for this variant (Variation ID: 840430).